The following is an entry in ClinVar:

NM_080680.3(COL11A2):c.94G>A (p.Val32Met)

Gene: COL11A2 (collagen type XI alpha 2 chain; minus strand). Cytogenetic location: 6p21.32.
Variant type: single nucleotide variant.
Coding change: c.94G>A on transcript NM_080680.3 (MANE Select); coding-DNA position 94, G replaced by A.
Protein change: p.Val32Met; replaces valine 32 with methionine.
Molecular consequence: missense variant.
Genome position (GRCh38, 1-based): chr6:33,189,458, C>T on the plus strand (G>A on the coding strand, the complement: COL11A2 is on the minus strand). VCF-style: chr6-33189458-C-T. GRCh37 (hg19) VCF-style: chr6-33157235-C-T.
Other names: c.94G>A, p.Val32Met (NM_001163771.2, NM_080679.3, NM_080681.3); short protein forms V32M.
Identifiers: ClinVar variation 2102640 (VCV002102640.1), dbSNP rs2535562221, ClinGen allele CA363613504.

ClinVar aggregate classification (germline): Uncertain significance (1 of 4 stars; one submission).

Allele frequency attached by ClinVar (database versions not stated): gnomAD exomes below 0.00001.

Submission:

Labcorp Genetics (formerly Invitae), Labcorp
Classification: Uncertain significance. Last evaluated: 2022-02-24. Review status: criteria provided, single submitter. Criteria: Invitae Variant Classification Sherloc (09022015). Collection method: clinical testing. Allele origin: germline.
Comment: This sequence change replaces valine, which is neutral and non-polar, with methionine, which is neutral and non-polar, at codon 32 of the COL11A2 protein (p.Val32Met). This variant is not present in population databases (gnomAD no frequency). This variant has not been reported in the literature in individuals affected with COL11A2-related conditions. Advanced modeling of protein sequence and biophysical properties (such as structural, functional, and spatial information, amino acid conservation, physicochemical variation, residue mobility, and thermodynamic stability) performed at Invitae indicates that this missense variant is not expected to disrupt COL11A2 protein function. In summary, the available evidence is currently insufficient to determine the role of this variant in disease. Therefore, it has been classified as a Variant of Uncertain Significance.